The following is an entry in ClinVar:

NM_001029896.2(WDR45):c.235+5G>C

Genes: WDR45 (WD repeat domain 45; minus strand), LOC126863256 (BRD4-independent group 4 enhancer GRCh37_chrX:48934848-48936047; plus strand). Cytogenetic location: Xp11.23.
Variant type: single nucleotide variant.
Coding change: c.235+5G>C on transcript NM_001029896.2 (MANE Select); 5 bases into the intron after coding-DNA position 235, G replaced by C.
Molecular consequence: intron variant.
Genome position (GRCh38, 1-based): chrX:49,077,638, C>G on the plus strand (G>C on the coding strand, the complement: WDR45 is on the minus strand). VCF-style: chrX-49077638-C-G. GRCh37 (hg19) VCF-style: chrX-48935297-C-G.
Other names: c.235+5G>C (NM_007075.4).
Identifiers: ClinVar variation 3034347 (VCV003034347.2), dbSNP rs2065045234, ClinGen allele CA2693686729.

ClinVar aggregate classification (germline): Likely benign (0 of 4 stars; one submission).

Conditions:
WDR45-related disorder. Also called: WDR45-related condition.

Submission:

PreventionGenetics, part of Exact Sciences
Classification: Likely benign for WDR45-related condition. Last evaluated: 2019-06-10. Review status: no assertion criteria provided. Collection method: clinical testing. Allele origin: germline.
Comment: This variant is classified as likely benign based on ACMG/AMP sequence variant interpretation guidelines (Richards et al. 2015 PMID: 25741868, with internal and published modifications).